The following is an entry in ClinVar:

NM_173689.7(CRB2):c.2270del (p.Gln757fs)

Gene: CRB2 (crumbs cell polarity complex component 2; plus strand). Cytogenetic location: 9q33.3.
Variant type: Deletion.
Coding change: c.2270del on transcript NM_173689.7 (MANE Select); coding-DNA position 2270, one base deleted (A; older notation c.2270delA).
Protein change: p.Gln757fs; shifts the reading frame from glutamine 757.
Molecular consequence: frameshift variant. On other transcripts: non-coding transcript variant (1).
Genome position (GRCh38, 1-based): chr9:123,371,412, A deleted. VCF-style (leftmost placement, unchanged base first): chr9-123371411-CA-C. GRCh37 (hg19) VCF-style: chr9-126133690-CA-C.
Other names: short protein forms Q757fs.
Identifiers: ClinVar variation 5007384 (VCV005007384.2).

ClinVar aggregate classification (germline): Likely pathogenic (1 of 4 stars; one submission).

Conditions:
Focal segmental glomerulosclerosis 9 (FSGS9). Identifiers: Orphanet 656, MedGen C4015555, MONDO:0014539, OMIM 616220.
Ventriculomegaly-cystic kidney disease. Also called: Ventriculomegaly with cystic kidney disease. Identifiers: Orphanet 443988, MedGen C1857423, MONDO:0009063, OMIM 219730.

Submission:

Juno Genomics, Hangzhou Juno Genomics, Inc
Classification: Likely pathogenic for Focal segmental glomerulosclerosis 9; Ventriculomegaly-cystic kidney disease. Review status: criteria provided, single submitter. Criteria: ACMG Guidelines, 2015. Collection method: clinical testing. Allele origin: germline.
Comment: Null variant in a gene where loss of function (LOF) is a known mechanism of disease.;Absent from controls (or at extremely low frequency if recessive) in Genome Aggregation Database.